The following is an entry in ClinVar:

NC_000021.8:g.(?_46932478)_(46962355_?)dup

Genes: COL18A1 (collagen type XVIII alpha 1 chain; plus strand), SLC19A1 (solute carrier family 19 member 1; minus strand). Cytogenetic location: 21q22.3.
Variant type: Duplication.
Identifiers: ClinVar variation 2691465 (VCV002691465.2).

ClinVar aggregate classification (germline): Uncertain significance (1 of 4 stars; one submission).

Submission:

Women's Health and Genetics/Laboratory Corporation of America, LabCorp
Classification: Uncertain significance. Last evaluated: 2024-12-06. Review status: criteria provided, single submitter. Criteria: LabCorp Variant Classification Summary - May 2015. Collection method: clinical testing. Allele origin: germline.
Comment: Variant summary: The variant involves the duplication of exons 1-6 in the SLC19A1 gene. This duplication includes the entire coding sequence of the gene. As exact breakpoints are unknown, it may extend beyond the annotated region of the gene, to include other flanking genes. A presumed nomenclature of c.(?_-123)_(*3094_?)dup has been designated for the purposes of this classification. Similar duplication was found at a frequency of 4.6e-05 in 21692 control chromosomes (gnomAD structural variants data set). The available data on variant occurrences in the general population are insufficient to allow any conclusion about variant significance. To our knowledge, no occurrence of c.(?_-123)_(*3094_?)dup in individuals affected with Immunodeficiency 114, Folate-Responsive and no experimental evidence demonstrating its impact on protein function have been reported. No submitters have cited clinical-significance assessments for this variant to ClinVar. Based on the evidence outlined above, the variant was classified as uncertain significance.